The following is an entry in ClinVar:

ClinVar aggregate classification (germline): Uncertain significance. Review status: criteria provided, multiple submitters, no conflicts (2 of 4 stars). 2 submissions from 2 submitters: Uncertain significance (2). Last evaluated 2025-10-08.

Conditions:
Inborn genetic diseases. Identifiers: MedGen C0950123, MeSH D030342.

Allele frequency attached by ClinVar (database versions not stated): ExAC 0.00005; gnomAD 0.00009; TOPMed 0.00009; ESP Exome Variant Server 0.00015; gnomAD exomes 0.00015.
gnomAD v4.1: 238 of 1,613,982 alleles (0.015%); highest among the groups gnomAD compares: Non-Finnish European, 0.018%; no homozygotes.

Submissions (2):

Labcorp Genetics (formerly Invitae), Labcorp
Classification: Uncertain significance. Last evaluated: 2025-10-08. Review status: criteria provided, single submitter. Criteria: Invitae Variant Classification Sherloc (09022015). Collection method: clinical testing. Allele origin: germline.
Comment: This sequence change replaces alanine, which is neutral and non-polar, with threonine, which is neutral and polar, at codon 485 of the TRAPPC12 protein (p.Ala485Thr). This variant is present in population databases (rs372676903, gnomAD 0.02%). This variant has not been reported in the literature in individuals affected with TRAPPC12-related conditions. ClinVar contains an entry for this variant (Variation ID: 2370094). Invitae Evidence Modeling of protein sequence and biophysical properties (such as structural, functional, and spatial information, amino acid conservation, physicochemical variation, residue mobility, and thermodynamic stability) indicates that this missense variant is expected to disrupt TRAPPC12 protein function with a positive predictive value of 80%. In summary, the available evidence is currently insufficient to determine the role of this variant in disease. Therefore, it has been classified as a Variant of Uncertain Significance.

Ambry Genetics
Classification: Uncertain significance for Inborn genetic diseases. Last evaluated: 2025-04-04. Review status: criteria provided, single submitter. Criteria: Ambry Variant Classification Scheme 2023. Collection method: clinical testing. Allele origin: germline.

NM_016030.6(TRAPPC12):c.1453G>A (p.Ala485Thr)

Gene: TRAPPC12 (trafficking protein particle complex subunit 12; plus strand). Cytogenetic location: 2p25.3.
Variant type: single nucleotide variant.
Coding change: c.1453G>A on transcript NM_016030.6 (MANE Select); coding-DNA position 1453, G replaced by A.
Protein change: p.Ala485Thr; replaces alanine 485 with threonine.
Molecular consequence: missense variant.
Genome position (GRCh38, 1-based): chr2:3,443,814, G>A. VCF-style: chr2-3443814-G-A. GRCh37 (hg19) VCF-style: chr2-3447585-G-A.
Other names: c.1453G>A, p.Ala485Thr (NM_001321102.2); short protein forms A485T.
Identifiers: ClinVar variation 2370094 (VCV002370094.4), dbSNP rs372676903, ClinGen allele CA1515453.